The following is an entry in ClinVar:

NM_203447.4(DOCK8):c.2554G>A (p.Val852Met)

Gene: DOCK8 (dedicator of cytokinesis 8; plus strand). Cytogenetic location: 9p24.3.
Variant type: single nucleotide variant.
Coding change: c.2554G>A on transcript NM_203447.4 (MANE Select); coding-DNA position 2554, G replaced by A.
Protein change: p.Val852Met; replaces valine 852 with methionine.
Molecular consequence: missense variant.
Genome position (GRCh38, 1-based): chr9:379,884, G>A. VCF-style: chr9-379884-G-A. GRCh37 (hg19) VCF-style: chr9-379884-G-A.
Other names: c.2350G>A, p.Val784Met (NM_001190458.2, NM_001193536.2); c.2554G>A (NM_203447.3); short protein forms V784M, V852M.
Identifiers: ClinVar variation 1063251 (VCV001063251.6), dbSNP rs199771908, ClinGen allele CA4958227.

ClinVar aggregate classification (germline): Uncertain significance. Review status: criteria provided, multiple submitters, no conflicts (2 of 4 stars). 3 submissions from 3 submitters: Uncertain significance (3). Last evaluated 2024-12-07.

Conditions:
Inborn genetic diseases. Identifiers: MedGen C0950123, MeSH D030342.
Combined immunodeficiency due to DOCK8 deficiency (HIES2). Also called: HIES autosomal recessive; HYPER-IgE RECURRENT INFECTION SYNDROME 2, AUTOSOMAL RECESSIVE; Hyper-IgE recurrent infection syndrome, autosomal recessive; DOCK8 Deficiency; HYPER-IgE SYNDROME 2, AUTOSOMAL RECESSIVE, WITH RECURRENT INFECTIONS. Identifiers: Orphanet 217390, MedGen C4722305, MONDO:0009478, OMIM 243700.

Allele frequency attached by ClinVar (database versions not stated): 1000 Genomes Project 30x 0.00016; 1000 Genomes Project 0.00020.
gnomAD v4.1: 69 of 1,614,182 alleles (0.0043%); highest among the groups gnomAD compares: Non-Finnish European, 0.0055%; no homozygotes.

Submissions (3):

Ambry Genetics
Classification: Uncertain significance for Inborn genetic diseases. Last evaluated: 2024-12-07. Review status: criteria provided, single submitter. Criteria: Ambry Variant Classification Scheme 2023. Collection method: clinical testing. Allele origin: germline.

Blueprint Genetics
Classification: Uncertain significance. Last evaluated: 2024-07-09. Review status: criteria provided, single submitter. Criteria: ACMG Guidelines, 2015. Collection method: clinical testing. Allele origin: germline.

Labcorp Genetics (formerly Invitae), Labcorp
Classification: Uncertain significance for Combined immunodeficiency due to DOCK8 deficiency. Last evaluated: 2022-02-25. Review status: criteria provided, single submitter. Criteria: Invitae Variant Classification Sherloc (09022015). Collection method: clinical testing. Allele origin: germline.
Comment: This sequence change replaces valine, which is neutral and non-polar, with methionine, which is neutral and non-polar, at codon 852 of the DOCK8 protein (p.Val852Met). This variant is present in population databases (rs199771908, gnomAD 0.01%). This variant has not been reported in the literature in individuals affected with DOCK8-related conditions. ClinVar contains an entry for this variant (Variation ID: 1063251). Algorithms developed to predict the effect of missense changes on protein structure and function are either unavailable or do not agree on the potential impact of this missense change (SIFT: "Deleterious"; PolyPhen-2: "Possibly Damaging"; Align-GVGD: "Class C0"). In summary, the available evidence is currently insufficient to determine the role of this variant in disease. Therefore, it has been classified as a Variant of Uncertain Significance.